The following is an entry in ClinVar:

ClinVar aggregate classification (germline): Pathogenic. Review status: criteria provided, multiple submitters, no conflicts (2 of 4 stars). 2 submissions from 2 submitters: Pathogenic (2). Last evaluated 2024-01-17.

Conditions:
Hereditary spastic paraplegia 11. Also called: Spastic Paraplegia 11; SPASTIC PARAPLEGIA, AUTOSOMAL RECESSIVE, COMPLICATED, WITH THIN CORPUS CALLOSUM; SPASTIC PARAPLEGIA, AUTOSOMAL RECESSIVE, WITH MENTAL IMPAIRMENT AND THIN CORPUS CALLOSUM; Nakamura Osame syndrome; Autosomal recessive hereditary spastic paraplegia, mental impairment, and thin corpus callosum; Spastic paraplegia, mental retardation and thin corpus callosum. Identifiers: Orphanet 2822, MedGen C1858479, MONDO:0011445, OMIM 604360.

Allele frequency attached by ClinVar (database versions not stated): gnomAD exomes below 0.00001.
gnomAD v4.1: 1 of 1,614,194 alleles (0.000062%); highest among the groups gnomAD compares: Non-Finnish European, 0.000085%; no homozygotes.

Submissions (2):

Labcorp Genetics (formerly Invitae), Labcorp
Classification: Pathogenic for Hereditary spastic paraplegia 11. Last evaluated: 2024-01-17. Review status: criteria provided, single submitter. Criteria: Invitae Variant Classification Sherloc (09022015). Collection method: clinical testing. Allele origin: germline.
Comment: This sequence change creates a premature translational stop signal (p.Gln2140*) in the SPG11 gene. It is expected to result in an absent or disrupted protein product. Loss-of-function variants in SPG11 are known to be pathogenic (PMID: 19105190, 20110243, 22154821, 26556829). This variant is not present in population databases (gnomAD no frequency). This premature translational stop signal has been observed in individual(s) with spastic paraplegia (PMID: 27077743). ClinVar contains an entry for this variant (Variation ID: 568554). For these reasons, this variant has been classified as Pathogenic.

GeneDx
Classification: Pathogenic. Last evaluated: 2023-10-27. Review status: criteria provided, single submitter. Criteria: GeneDx Variant Classification Process June 2021. Collection method: clinical testing. Allele origin: germline. Affected: yes.
Comment: Nonsense variant predicted to result in protein truncation or nonsense mediated decay in a gene for which loss of function is a known mechanism of disease; Not observed at significant frequency in large population cohorts (gnomAD); This variant is associated with the following publications: (PMID: 27077743)

Literature cited by the submitters: PubMed 19105190 (cited by Labcorp Genetics (formerly Invitae), Labcorp); PubMed 20110243 (cited by Labcorp Genetics (formerly Invitae), Labcorp); PubMed 22154821 (cited by Labcorp Genetics (formerly Invitae), Labcorp); PubMed 26556829 (cited by Labcorp Genetics (formerly Invitae), Labcorp); PubMed 27077743 (cited by Labcorp Genetics (formerly Invitae), Labcorp).

NM_025137.4(SPG11):c.6418C>T (p.Gln2140Ter)

Gene: SPG11 (SPG11 vesicle trafficking associated, spatacsin; minus strand). Cytogenetic location: 15q21.1.
Variant type: single nucleotide variant.
Coding change: c.6418C>T on transcript NM_025137.4 (MANE Select); coding-DNA position 6418, C replaced by T.
Protein change: p.Gln2140Ter; replaces glutamine 2140 with a stop codon.
Molecular consequence: nonsense.
Genome position (GRCh38, 1-based): chr15:44,570,584, G>A on the plus strand (C>T on the coding strand, the complement: SPG11 is on the minus strand). VCF-style: chr15-44570584-G-A. GRCh37 (hg19) VCF-style: chr15-44862782-G-A.
Other names: c.6079C>T, p.Gln2027Ter (NM_001160227.2); short protein forms Q2140*, Q2027*.
Identifiers: ClinVar variation 568554 (VCV000568554.8), dbSNP rs1567129475, ClinGen allele CA392216356.